The following is an entry in ClinVar:

NM_015272.5(RPGRIP1L):c.3886G>A (p.Val1296Ile)

Gene: RPGRIP1L (RPGRIP1 like; minus strand). Cytogenetic location: 16q12.2.
Variant type: single nucleotide variant.
Coding change: c.3886G>A on transcript NM_015272.5 (MANE Select); coding-DNA position 3886, G replaced by A.
Protein change: p.Val1296Ile; replaces valine 1296 with isoleucine.
Molecular consequence: missense variant.
Genome position (GRCh38, 1-based): chr16:53,602,138, C>T on the plus strand (G>A on the coding strand, the complement: RPGRIP1L is on the minus strand). VCF-style: chr16-53602138-C-T. GRCh37 (hg19) VCF-style: chr16-53636050-C-T.
Other names: c.3646G>A, p.Val1216Ile (NM_001127897.4); c.3748G>A, p.Val1250Ile (NM_001308334.3); c.3784G>A, p.Val1262Ile (NM_001330538.2); c.3886G>A (NM_015272.4); short protein forms V1262I, V1250I, V1216I, V1296I.
Identifiers: ClinVar variation 1987915 (VCV001987915.6), dbSNP rs1285970142, ClinGen allele CA395918893.
Genomic context (GRCh38, chr16:53,602,138, plus strand): 5'-AAGCCTCCAAGTCATCTCTGTATTGCTTGTAGACAGACTGGAGGGCATGGAGAGCTTCGA[C>T]TGTTACCCTGAGCTTGCCAATACCTTCACCATCTGCTCGTGCATCAAAAACTAGGGAGAA-3'
Protein context (NP_056087.2, residues 1286-1306): GEGIGKLRVT[Val1296Ile]EALHALQSVY

ClinVar aggregate classification (germline): Uncertain significance. Review status: criteria provided, multiple submitters, no conflicts (2 of 4 stars). 2 submissions from 2 submitters: Uncertain significance (2). Last evaluated 2023-01-12.

Conditions:
Joubert syndrome. Also called: CEREBELLOPARENCHYMAL DISORDER IV; JOUBERT-BOLTSHAUSER SYNDROME; Familial aplasia of the vermis. Identifiers: Orphanet 475, MedGen C5979921, MONDO:0018772.
Meckel-Gruber syndrome. Also called: DYSENCEPHALIA SPLANCHNOCYSTICA; GRUBER SYNDROME; Dysencephalia splachnocystica. Identifiers: Orphanet 564, MedGen C0265215, MONDO:0018921.

Allele frequency attached by ClinVar (database versions not stated): gnomAD exomes below 0.00001; gnomAD 0.00001.
gnomAD v4.1: 5 of 1,613,928 alleles (0.00031%); highest among the groups gnomAD compares: East Asian, 0.0022%; no homozygotes.

Submissions (2):

Genetic Services Laboratory, University of Chicago
Classification: Uncertain significance. Last evaluated: 2023-01-12. Review status: criteria provided, single submitter. Criteria: ACMG Guidelines, 2015. Collection method: clinical testing. Allele origin: germline. Affected: no.
Comment: DNA sequence analysis of the RPGRIP1L gene demonstrated a sequence change, c.3886G>A, in exon 27 that results in an amino acid change, p.Val1296Ile. This sequence change has been described in the gnomAD database in one individual corresponding to an overall population frequency of 0.0004% (dbSNP rs1285970142). The p.Val1296Ile change affects a highly conserved amino acid residue located in a domain of the RPGRIP1L protein that is not known to be functional. In-silico pathogenicity prediction tools (SIFT, PolyPhen2, Align GVGD, REVEL) provide contradictory results for the p.Val1296Ile substitution. This sequence change does not appear to have been previously described in individuals with RPGRIP1L-related disorders. Due to insufficient evidences and the lack of functional studies, the clinical significance of the p.Val1296Ile change remains unknown at this time

Labcorp Genetics (formerly Invitae), Labcorp
Classification: Uncertain significance for Joubert syndrome; Meckel-Gruber syndrome. Last evaluated: 2022-09-27. Review status: criteria provided, single submitter. Criteria: Invitae Variant Classification Sherloc (09022015). Collection method: clinical testing. Allele origin: germline.
Comment: This sequence change replaces valine, which is neutral and non-polar, with isoleucine, which is neutral and non-polar, at codon 1296 of the RPGRIP1L protein (p.Val1296Ile). This variant is present in population databases (no rsID available, gnomAD 0.006%). In summary, the available evidence is currently insufficient to determine the role of this variant in disease. Therefore, it has been classified as a Variant of Uncertain Significance. Advanced modeling of protein sequence and biophysical properties (such as structural, functional, and spatial information, amino acid conservation, physicochemical variation, residue mobility, and thermodynamic stability) performed at Invitae indicates that this missense variant is not expected to disrupt RPGRIP1L protein function. This variant has not been reported in the literature in individuals affected with RPGRIP1L-related conditions.